The following is an entry in ClinVar:

NM_000687.4(AHCY):c.468G>C (p.Glu156Asp)

Gene: AHCY (adenosylhomocysteinase; minus strand). Cytogenetic location: 20q11.22.
Variant type: single nucleotide variant.
Coding change: c.468G>C on transcript NM_000687.4 (MANE Select); coding-DNA position 468, G replaced by C.
Protein change: p.Glu156Asp; replaces glutamic acid 156 with aspartic acid.
Molecular consequence: missense variant.
Genome position (GRCh38, 1-based): chr20:34,291,509, C>G on the plus strand (G>C on the coding strand, the complement: AHCY is on the minus strand). VCF-style: chr20-34291509-C-G. GRCh37 (hg19) VCF-style: chr20-32879315-C-G.
Other names: c.384G>C, p.Glu128Asp (NM_001161766.2, NM_001322084.2, NM_001322085.2); c.474G>C, p.Glu158Asp (NM_001322086.2); c.468G>C, p.Glu156Asp (NM_001362750.2); short protein forms E128D, E156D, E158D.
Identifiers: ClinVar variation 566004 (VCV000566004.7), dbSNP rs1568799740, ClinGen allele CA408658790.

ClinVar aggregate classification (germline): Uncertain significance (1 of 4 stars; one submission).

Conditions:
Hypermethioninemia with deficiency of S-adenosylhomocysteine hydrolase. Identifiers: Orphanet 88618, MedGen C3151058, MONDO:0013404, OMIM 613752.

Submission:

Labcorp Genetics (formerly Invitae), Labcorp
Classification: Uncertain significance for Hypermethioninemia with deficiency of S-adenosylhomocysteine hydrolase. Last evaluated: 2018-01-07. Review status: criteria provided, single submitter. Criteria: Invitae Variant Classification Sherloc (09022015). Collection method: clinical testing. Allele origin: germline.
Comment: In summary, the available evidence is currently insufficient to determine the role of this variant in disease. Therefore, it has been classified as a Variant of Uncertain Significance. Algorithms developed to predict the effect of missense changes on protein structure and function do not agree on the potential impact of this missense change (SIFT: "Deleterious"; PolyPhen-2: "Probably Damaging"; Align-GVGD: "Class 0"). This variant has not been reported in the literature in individuals with AHCY-related disease. This variant is not present in population databases (ExAC no frequency). This sequence change replaces glutamic acid with aspartic acid at codon 156 of the AHCY protein (p.Glu156Asp). The gluatamic acid residue is highly conserved and there is a small physicochemical difference between glutamic acid and aspartic acid.